The following is an entry in ClinVar:

ClinVar aggregate classification (germline): Conflicting classifications of pathogenicity. Review status: criteria provided, conflicting classifications (1 of 4 stars). 2 submissions from 2 submitters: Pathogenic (1); Uncertain significance (1). Last evaluated 2025-08-25.

Conditions:
Congenital myotonia, autosomal recessive form. Also called: BECKER DISEASE; Becker Generalized Myotonia; myotonia congenita, autosomal recessive. Identifiers: Orphanet 614, MedGen C0751360, MONDO:0009715, OMIM 255700.
Congenital myotonia, autosomal dominant form (THD). Also called: THOMSEN DISEASE; Myotonia congenita autosomal dominant. Identifiers: Orphanet 614, MedGen C2936781, MONDO:0008055, OMIM 160800.

Allele frequency attached by ClinVar (database versions not stated): gnomAD exomes below 0.00001.
gnomAD v4.1: 2 of 1,612,962 alleles (0.00012%); highest among the groups gnomAD compares: Non-Finnish European, 0.00017%; no homozygotes.

Submissions (2):

Athena Diagnostics
Classification: Uncertain significance. Last evaluated: 2025-08-25. Review status: criteria provided, single submitter. Criteria: Athena Diagnostics Criteria. Collection method: clinical testing. Allele origin: unknown.
Comment: Available data are insufficient to determine the clinical significance of the variant at this time. This variant has not been reported in large, multi-ethnic general populations. This variant is expected to maintain the transcript reading frame. However, it may still disrupt protein function. Computational tools yielded predictions that this variant may interfere with normal RNA splicing.

Labcorp Genetics (formerly Invitae), Labcorp
Classification: Pathogenic for Congenital myotonia, autosomal recessive form; Congenital myotonia, autosomal dominant form. Last evaluated: 2023-09-27. Review status: criteria provided, single submitter. Criteria: Invitae Variant Classification Sherloc (09022015). Collection method: clinical testing. Allele origin: germline.
Comment: This sequence change affects a donor splice site in intron 22 of the CLCN1 gene. While this variant is not anticipated to result in nonsense mediated decay, it likely alters RNA splicing and results in a disrupted protein product. This variant is not present in population databases (gnomAD no frequency). Disruption of this splice site has been observed in individual(s) with clinical features of autosomal recessive CLCN1-related conditions (Invitae). ClinVar contains an entry for this variant (Variation ID: 1384014). Variants that disrupt the consensus splice site are a relatively common cause of aberrant splicing (PMID: 17576681, 9536098). Algorithms developed to predict the effect of sequence changes on RNA splicing suggest that this variant may disrupt the consensus splice site. This variant disrupts a region of the CLCN1 protein in which other variant(s) (p.Gly945Argfs*39) have been determined to be pathogenic (PMID: 18337100; Invitae). This suggests that this is a clinically significant region of the protein, and that variants that disrupt it are likely to be disease-causing. For these reasons, this variant has been classified as Pathogenic.

Literature cited by the submitters: PubMed 17576681 (cited by Labcorp Genetics (formerly Invitae), Labcorp); PubMed 9536098 (cited by Labcorp Genetics (formerly Invitae), Labcorp); PubMed 18337100 (cited by Labcorp Genetics (formerly Invitae), Labcorp).

NM_000083.3(CLCN1):c.2595+1G>A

Gene: CLCN1 (chloride voltage-gated channel 1; plus strand). Cytogenetic location: 7q34.
Variant type: single nucleotide variant.
Coding change: c.2595+1G>A on transcript NM_000083.3 (MANE Select); the canonical splice donor site of the intron after coding-DNA position 2595, G replaced by A.
Molecular consequence: splice donor variant.
Genome position (GRCh38, 1-based): chr7:143,350,655, G>A. VCF-style: chr7-143350655-G-A. GRCh37 (hg19) VCF-style: chr7-143047748-G-A.
Other names: c.2595+1G>A (NM_000083.2).
Identifiers: ClinVar variation 1384014 (VCV001384014.7), dbSNP rs2116397860, ClinGen allele CA369653389.